The following is an entry in ClinVar:

NM_004006.3(DMD):c.178C>T (p.Gln60Ter)

Gene: DMD (dystrophin; minus strand). Cytogenetic location: Xp21.1.
Variant type: single nucleotide variant.
Coding change: c.178C>T on transcript NM_004006.3 (MANE Select); coding-DNA position 178, C replaced by T.
Protein change: p.Gln60Ter; replaces glutamine 60 with a stop codon.
Molecular consequence: nonsense. On other transcripts: 5 prime UTR variant (1).
Genome position (GRCh38, 1-based): chrX:32,849,736, G>A on the plus strand (C>T on the coding strand, the complement: DMD is on the minus strand). VCF-style: chrX-32849736-G-A. GRCh37 (hg19) VCF-style: chrX-32867853-G-A.
Other names: c.154C>T, p.Gln52Ter (NM_000109.4); c.166C>T, p.Gln56Ter (NM_004009.3); c.-192C>T (NM_004010.3); short protein forms Q60*, Q52*, Q56*.
Identifiers: ClinVar variation 11239 (VCV000011239.15), dbSNP rs128626233, ClinGen allele CA341040.

ClinVar aggregate classification (germline): Pathogenic. Review status: criteria provided, multiple submitters, no conflicts (2 of 4 stars). 5 submissions from 5 submitters: Pathogenic (3). 2 of the submissions do not count toward it. Last evaluated 2024-12-26.

Conditions:
Dystrophin deficiency.
Cardiomyopathy (CMYO). Also called: Cardiomyopathies. Identifiers: Orphanet 167848, MedGen C0878544, MONDO:0004994, HP:0001638. Inheritance: Various modes of inheritance.
Duchenne muscular dystrophy (DMD). Also called: MUSCULAR DYSTROPHY, PSEUDOHYPERTROPHIC PROGRESSIVE, DUCHENNE TYPE; Duchenne Muscular Dystrophy (DMD). Identifiers: Orphanet 98896, MedGen C0013264, MONDO:0010679, OMIM 310200.
Becker muscular dystrophy (BMD). Also called: MUSCULAR DYSTROPHY, PSEUDOHYPERTROPHIC PROGRESSIVE, BECKER TYPE; Becker Muscular Dystrophy (BMD). Identifiers: Orphanet 98895, MedGen C0917713, MONDO:0010311, OMIM 300376.

Submissions (5):

Kariminejad - Najmabadi Pathology & Genetics Center
Classification: Pathogenic for Duchenne muscular dystrophy. Last evaluated: 2024-12-26. Review status: criteria provided, single submitter. Criteria: ACMG Guidelines, 2015. Collection method: clinical testing. Allele origin: germline. Inheritance: X-linked inheritance. Affected: yes.
Comment: PVS1,PM2,PP5)

Labcorp Genetics (formerly Invitae), Labcorp
Classification: Pathogenic for Duchenne muscular dystrophy. Last evaluated: 2024-04-18. Review status: criteria provided, single submitter. Criteria: Invitae Variant Classification Sherloc (09022015). Collection method: clinical testing. Allele origin: germline.
Comment: This sequence change creates a premature translational stop signal (p.Gln60*) in the DMD gene. It is expected to result in an absent or disrupted protein product. Loss-of-function variants in DMD are known to be pathogenic (PMID: 16770791, 25007885). This variant is not present in population databases (gnomAD no frequency). This premature translational stop signal has been observed in individuals with Duchenne muscular dystrophy (PMID: 7951253, 24265581). ClinVar contains an entry for this variant (Variation ID: 11239). Algorithms developed to predict the effect of sequence changes on RNA splicing suggest that this variant may create or strengthen a splice site. For these reasons, this variant has been classified as Pathogenic.

Athena Diagnostics
Classification: Pathogenic. Last evaluated: 2016-09-01. Review status: criteria provided, single submitter. Criteria: Athena Diagnostics Criteria. Collection method: clinical testing. Allele origin: germline.

Natera, Inc.
Classification: Pathogenic for Becker muscular dystrophy; Cardiomyopathy; Duchenne muscular dystrophy; Dystrophin deficiency. Last evaluated: 2020-09-11. Review status: no assertion criteria provided. Collection method: clinical testing. Allele origin: germline. Not counted in ClinVar's aggregate classification.

OMIM
Classification: Pathogenic for DUCHENNE MUSCULAR DYSTROPHY. Last evaluated: 1994-01-01. Review status: no assertion criteria provided. Collection method: literature only. Allele origin: germline. Not counted in ClinVar's aggregate classification.

Literature cited by the submitters: PubMed 16770791 (cited by Labcorp Genetics (formerly Invitae), Labcorp); PubMed 25007885 (cited by Labcorp Genetics (formerly Invitae), Labcorp); PubMed 7951253 (cited by 3 submitters); PubMed 24265581 (cited by Labcorp Genetics (formerly Invitae), Labcorp and Athena Diagnostics); PubMed 14973546 (cited by Athena Diagnostics).